The following is an entry in ClinVar:

NM_021625.5(TRPV4):c.2395C>A (p.Pro799Thr)

Gene: TRPV4 (transient receptor potential cation channel subfamily V member 4; minus strand). Cytogenetic location: 12q24.11.
Variant type: single nucleotide variant.
Coding change: c.2395C>A on transcript NM_021625.5 (MANE Select); coding-DNA position 2395, C replaced by A.
Protein change: p.Pro799Thr; replaces proline 799 with threonine.
Molecular consequence: missense variant.
Genome position (GRCh38, 1-based): chr12:109,784,379, G>T on the plus strand (C>A on the coding strand, the complement: TRPV4 is on the minus strand). VCF-style: chr12-109784379-G-T. GRCh37 (hg19) VCF-style: chr12-110222184-G-T.
Other names: c.2254C>A, p.Pro752Thr (NM_001177428.2); c.2293C>A, p.Pro765Thr (NM_001177431.2); c.2074C>A, p.Pro692Thr (NM_001177433.2); c.2215C>A, p.Pro739Thr (NM_147204.3); short protein forms P765T, P799T, P752T, P692T, P739T.
Identifiers: ClinVar variation 1467249 (VCV001467249.8), dbSNP rs267607147, ClinGen allele CA386648812.
Genomic context (GRCh38, chr12:109,784,379, plus strand): 5'-TGCGGAGGCGGCCCACGGTATGCGAGAAGCCATAATACTGGTAGGTCTCATTCTTGCCCG[G>T]GTCCTCGTTGATGATGCCCAAGTTCTGGTTCCAGTGAGACCAGTTCACCTCATCCACCCT-3'
Protein context (NP_067638.3, residues 789-809): NQNLGIINED[Pro799Thr]GKNETYQYYG

ClinVar aggregate classification (germline): Uncertain significance (1 of 4 stars; one submission).

Conditions:
Charcot-Marie-Tooth disease axonal type 2C (HMSN2C). Also called: CHARCOT-MARIE-TOOTH DISEASE, AXONAL, AUTOSOMAL DOMINANT, TYPE 2C; Charcot-Marie-Tooth Neuropathy Type 2C; Charcot-Marie-Tooth Disease Type 2, TRPV4-Related (CMT2C). Identifiers: Orphanet 99937, MedGen C1853710, MONDO:0011633, OMIM 606071.

Submission:

Labcorp Genetics (formerly Invitae), Labcorp
Classification: Uncertain significance for Charcot-Marie-Tooth disease axonal type 2C. Last evaluated: 2022-06-13. Review status: criteria provided, single submitter. Criteria: Invitae Variant Classification Sherloc (09022015). Collection method: clinical testing. Allele origin: germline.
Comment: In summary, the available evidence is currently insufficient to determine the role of this variant in disease. Therefore, it has been classified as a Variant of Uncertain Significance. This variant disrupts the p.Pro799 amino acid residue in TRPV4. Other variant(s) that disrupt this residue have been determined to be pathogenic (PMID: 20425821, 20503319, 21658220). This suggests that this residue is clinically significant, and that variants that disrupt this residue are likely to be disease-causing. Algorithms developed to predict the effect of missense changes on protein structure and function are either unavailable or do not agree on the potential impact of this missense change (SIFT: "Deleterious"; PolyPhen-2: "Probably Damaging"; Align-GVGD: "Class C0"). This variant has not been reported in the literature in individuals affected with TRPV4-related conditions. This variant is not present in population databases (gnomAD no frequency). This sequence change replaces proline, which is neutral and non-polar, with threonine, which is neutral and polar, at codon 799 of the TRPV4 protein (p.Pro799Thr).

Literature cited by the submitters: PubMed 20425821; PubMed 20503319; PubMed 21658220.